The following is an entry in ClinVar:

ClinVar aggregate classification (germline): Pathogenic/Likely pathogenic. Review status: criteria provided, multiple submitters, no conflicts (2 of 4 stars). 18 submissions from 18 submitters: Pathogenic (10); Likely pathogenic (4). 4 of the submissions do not count toward it. Last evaluated 2026-01-28.

Conditions:
ERCC3-related disorder. Also called: ERCC3-related condition.
Trichothiodystrophy 2, photosensitive (TTD2). Identifiers: Orphanet 33364, MedGen C4225344, MONDO:0014615, OMIM 616390.
Xeroderma pigmentosum group B. Also called: XP, GROUP B; XPB/CS; XERODERMA PIGMENTOSUM B/COCKAYNE SYNDROME; ERCC3-Related Xeroderma Pigmentosum. Identifiers: MedGen C0268136, MONDO:0012531, OMIM 610651.
Hereditary cancer-predisposing syndrome. Also called: Tumor predisposition; Hereditary Cancer Syndrome; Neoplastic Syndromes, Hereditary; Hereditary neoplastic syndrome. Identifiers: Orphanet 140162, MedGen C0027672, MeSH D009386, MONDO:0015356.
Xeroderma pigmentosum (XP). Identifiers: Orphanet 910, MedGen C0043346, MONDO:0019600.

Allele frequency attached by ClinVar (database versions not stated): gnomAD 0.00030; gnomAD exomes 0.00034 and 0.00053; TOPMed 0.00036; ESP Exome Variant Server 0.00046; ExAC 0.00048.

Submissions 1 to 12 of 18:

Labcorp Genetics (formerly Invitae), Labcorp
Classification: Pathogenic. Last evaluated: 2026-01-28. Review status: criteria provided, single submitter. Criteria: Invitae Variant Classification Sherloc (09022015). Collection method: clinical testing. Allele origin: germline.
Comment: This sequence change creates a premature translational stop signal (p.Arg109*) in the ERCC3 gene. It is expected to result in an absent or disrupted protein product. Loss-of-function variants in ERCC3 are known to be pathogenic (PMID: 16947863). This variant is present in population databases (rs34295337, gnomAD 0.9%), and has an allele count higher than expected for a pathogenic variant. This premature translational stop signal has been observed in individual(s) with breast cancer, skin cancer, and/or UV-sensitive syndrome (PMID: 26023681, 27004399, 27655433). ClinVar contains an entry for this variant (Variation ID: 265515). Algorithms developed to predict the effect of sequence changes on RNA splicing suggest that this variant may disrupt the consensus splice site. For these reasons, this variant has been classified as Pathogenic.

Dasa
Classification: Pathogenic. Last evaluated: 2026-01-07. Review status: criteria provided, single submitter. Criteria: DASA Assertion Criteria. Collection method: clinical testing. Allele origin: germline.
Comment: NM_000122.2(ERCC3):c.325C>T (p.Arg109Ter) introduces a premature termination codon predicted to result in loss of normal protein function. Loss-of-function is an established mechanism of disease for this gene. This variant has been recurrently observed in individuals with related phenotype (PMID: 26023681; PMID: 27655433; PMID: 27004399; PMID: 30580288; PMID: 30787465). The variant is present at low frequency in population datasets. Based on the available data, this variant is classified as pathogenic.

Unidad de Genética Molecular HGU Elche, Hospital General Universitario de Elche
Classification: Likely pathogenic for Hereditary cancer-predisposing syndrome. Last evaluated: 2025-05-05. Review status: criteria provided, single submitter. Criteria: ACMG Guidelines, 2015. Collection method: clinical testing. Allele origin: germline. Affected: yes.
Comment: PVS1 very strong; PP5 strong; PM2 supporting

Molecular Diagnostics Laboratory, Catalan Institute of Oncology
Classification: Likely pathogenic for Hereditary cancer-predisposing syndrome. Last evaluated: 2025-03-16. Review status: criteria provided, single submitter. Criteria: ACMG Guidelines, 2015. Collection method: clinical testing. Allele origin: germline.
Comment: PVS1 c.325C>T, located in exon 3 of the ERCC3 gene, is a nonsense variant expected to result in loss of function by premature protein truncation and nonsense-mediated mRNA decay (PVS1). This variant is found in 554/1613682 alleles at a frequency of 0.034% in the gnomAD v4.1.0 database. The SpliceAI algorithm predicts no significant impact on splicing. Experimental studies have shown a significantly reduced protein expression in ERCC3 deficient cell lines (PMID: 27655433). In the same report, the variant was found to be associated with an increased risk of breast cancer in a case-control study (OR=1.53) of individuals of Ashkenazi ethnicity (PMID: 27655433). This variant has been reported together with another missense variant(phase unknown) in a patient with xeroderma pigmentosum (PMID: 27004399).It has been reported in ClinVar (8x P, 4x LP). Based on the currently available information, c.325C>T is classified as a likely pathogenic variant according to ACMG guidelines

Revvity Omics, Revvity
Classification: Pathogenic. Last evaluated: 2025-03-12. Review status: criteria provided, single submitter. Criteria: ACMG Guidelines, 2015. Collection method: clinical testing. Allele origin: germline.

Women's Health and Genetics/Laboratory Corporation of America, LabCorp
Classification: Pathogenic for Xeroderma pigmentosum. Last evaluated: 2024-12-09. Review status: criteria provided, single submitter. Criteria: LabCorp Variant Classification Summary - May 2015. Collection method: clinical testing. Allele origin: germline.
Comment: Variant summary: ERCC3 c.325C>T (p.Arg109X) results in a premature termination codon, predicted to cause a truncation of the encoded protein or absence of the protein due to nonsense mediated decay, which are commonly known mechanisms for disease. The variant allele was found at a frequency of 0.00053 in 254390 control chromosomes.The observed variant frequency is approximately 5-fold the estimated maximal expected allele frequency for a pathogenic variant in ERCC3 causing Xeroderma pigmentosum phenotype (0.00011), suggesting that the variant is benign. However, c.325C>T has been reported in the literature in compound heterozygosity with a reportedly pathogenic mutation in ERCC3 in at least one individual with another nucleotide-excision repair-related disorder, UV-Sensitivity Syndrome (UVSS; Calmels_2016). In addition, the variant has been detected in individuals with a personal or family history of breast and/or ovarian cancer (examples-Foley_2015, Maxwell_2016, Vijai_2016), including a patient who was diagnosed with both breast and skin cancers (Foley_2015). The variant has also been reported in at least one patient with colorectal cancer (AlDubayan_2018). The variant was detected in 3 affected individuals from the same family in a cohort of breast cancer patients of Ashkenazi Jewish backgrounds (Vijai_2016). At least one publication reports experimental evidence evaluating an impact on protein function and reports that the variant conferred a significant reduction in cells' ability to repair DNA damage, which could be rescued by over-expression of the wild-type protein in-vitro (Vijai_2016). ClinVar contains an entry for this variant (Variation ID: 265515). Based on the evidence outlined above, the variant was classified as pathogenic.

Blueprint Genetics
Classification: Likely pathogenic for ERCC3-related disorders. Last evaluated: 2024-09-23. Review status: criteria provided, single submitter. Criteria: ACMG Guidelines, 2015. Collection method: clinical testing. Allele origin: germline. Affected: yes. Observed: 5 variant alleles.

CeGaT Center for Human Genetics Tuebingen
Classification: Likely pathogenic. Last evaluated: 2024-03-01. Review status: criteria provided, single submitter. Criteria: CeGaT Center For Human Genetics Tuebingen Variant Classification Criteria Version 2. Collection method: clinical testing. Allele origin: germline. Affected: yes. Observed: 4 variant alleles.
Comment: ERCC3: PVS1

Fulgent Genetics
Classification: Pathogenic for Xeroderma pigmentosum group B; Trichothiodystrophy 2, photosensitive. Last evaluated: 2024-02-24. Review status: criteria provided, single submitter. Criteria: ACMG Guidelines, 2015. Collection method: clinical testing. Allele origin: germline.

Department of Pathology and Laboratory Medicine, Sinai Health System
Classification: Pathogenic for Xeroderma pigmentosum group B; Trichothiodystrophy 2, photosensitive. Last evaluated: 2023-07-26. Review status: criteria provided, single submitter. Criteria: ACMG Guidelines, 2015. Collection method: research. Allele origin: germline.

GeneDx
Classification: Pathogenic. Last evaluated: 2022-04-11. Review status: criteria provided, single submitter. Criteria: GeneDx Variant Classification Process June 2021. Collection method: clinical testing. Allele origin: germline. Affected: yes.
Comment: Nonsense variant predicted to result in protein truncation or nonsense mediated decay in a gene for which loss-of-function is a known mechanism of disease; Published functional studies suggest a damaging effect: significantly reduced viability in mutant cells following DNA damage (Vijai 2016); This variant is associated with the following publications: (PMID: 26023681, 27153395, 29478780, 27356891, 30787465, 27655433, 29625052, 26689913, 31980526, 34308366, 34426522, 31589614, 33077847, 27004399)

Department of Pediatrics, Memorial Sloan Kettering Cancer Center
Classification: Pathogenic for Xeroderma pigmentosum group B. Last evaluated: 2020-12-15. Review status: criteria provided, single submitter. Criteria: ACMG Guidelines, 2015. Collection method: research. Allele origin: germline. Affected: no.

NM_000122.2(ERCC3):c.325C>T (p.Arg109Ter)

Gene: ERCC3 (ERCC excision repair 3, TFIIH core complex helicase subunit; minus strand). Cytogenetic location: 2q14.3.
Variant type: single nucleotide variant.
Coding change: c.325C>T on transcript NM_000122.2 (MANE Select); coding-DNA position 325, C replaced by T.
Protein change: p.Arg109Ter; replaces arginine 109 with a stop codon.
Molecular consequence: nonsense.
Genome position (GRCh38, 1-based): chr2:127,292,756, G>A on the plus strand (C>T on the coding strand, the complement: ERCC3 is on the minus strand). VCF-style: chr2-127292756-G-A. GRCh37 (hg19) VCF-style: chr2-128050332-G-A.
Other names: c.133C>T, p.Arg45Ter (NM_001303416.2, NM_001303418.2); short protein forms R109*, R45*.
Identifiers: ClinVar variation 265515 (VCV000265515.65), dbSNP rs34295337, ClinGen allele CA090899.
Genomic context (GRCh38, chr2:127,292,756, plus strand): 5'-CGCTGACAGCTGCATACAAGGAGTAGGCAGTTAGTTTGTACTCATGCACATGGGTTGGTC[G>A]GCACACTGGCTCTGCAATAGCCACCAAGAAGTCTTGGGCATATTTGTAAACTGGAGAGAA-3'